The following is an entry in ClinVar:

NM_001943.5(DSG2):c.1516A>G (p.Ile506Val)

Gene: DSG2 (desmoglein 2; plus strand). Cytogenetic location: 18q12.1.
Variant type: single nucleotide variant.
Coding change: c.1516A>G on transcript NM_001943.5 (MANE Select); coding-DNA position 1516, A replaced by G.
Protein change: p.Ile506Val; replaces isoleucine 506 with valine.
Molecular consequence: missense variant.
Genome position (GRCh38, 1-based): chr18:31,536,294, A>G. VCF-style: chr18-31536294-A-G. GRCh37 (hg19) VCF-style: chr18-29116257-A-G.
Other names: short protein forms I506V.
Identifiers: ClinVar variation 4752039 (VCV004752039.1).
Genomic context (GRCh38, chr18:31,536,294, plus strand): 5'-CTTATCAATGTTGAAGACATCAACGACAACTGTCCCACACTGATAGAGCCTGTGCAGACA[A>G]TCTGTCACGATGCAGAGTATGTGAATGTTACTGCAGAGGACCTGGATGGACACCCAAACA-3'
Protein context (NP_001934.2, residues 496-516): CPTLIEPVQT[Ile506Val]CHDAEYVNVT

ClinVar aggregate classification (germline): Uncertain significance (1 of 4 stars; one submission).

Conditions:
Arrhythmogenic right ventricular dysplasia 10. Also called: Arrhythmogenic right ventricular dysplasia/cardiomyopathy, type 10; Arrhythmogenic Right Ventricular Dysplasia/Cardiomyopathy10; ARRHYTHMOGENIC RIGHT VENTRICULAR DYSPLASIA, FAMILIAL, 10. Identifiers: MedGen C1857777, MONDO:0012434, OMIM 610193.

Submission:

Labcorp Genetics (formerly Invitae), Labcorp
Classification: Uncertain significance for Arrhythmogenic right ventricular dysplasia 10. Last evaluated: 2025-09-28. Review status: criteria provided, single submitter. Criteria: Invitae Variant Classification Sherloc (09022015). Collection method: clinical testing. Allele origin: germline.
Comment: This sequence change replaces isoleucine, which is neutral and non-polar, with valine, which is neutral and non-polar, at codon 506 of the DSG2 protein (p.Ile506Val). This variant is not present in population databases (gnomAD no frequency). This variant has not been reported in the literature in individuals affected with DSG2-related conditions. Invitae Evidence Modeling of protein sequence and biophysical properties (such as structural, functional, and spatial information, amino acid conservation, physicochemical variation, residue mobility, and thermodynamic stability) indicates that this missense variant is not expected to disrupt DSG2 protein function with a negative predictive value of 95%. In summary, the available evidence is currently insufficient to determine the role of this variant in disease. Therefore, it has been classified as a Variant of Uncertain Significance.